The following is an entry in ClinVar:

ClinVar aggregate classification (germline): Uncertain significance (1 of 4 stars; one submission).

Allele frequency attached by ClinVar (database versions not stated): gnomAD exomes below 0.00001; ExAC 0.00001; gnomAD 0.00001; TOPMed 0.00002; ESP Exome Variant Server 0.00008.
gnomAD v4.1: 4 of 1,613,020 alleles (0.00025%); highest among the groups gnomAD compares: African/African-American, 0.004%; no homozygotes.

Submission:

Labcorp Genetics (formerly Invitae), Labcorp
Classification: Uncertain significance. Last evaluated: 2025-09-19. Review status: criteria provided, single submitter. Criteria: Invitae Variant Classification Sherloc (09022015). Collection method: clinical testing. Allele origin: germline.
Comment: This sequence change replaces serine, which is neutral and polar, with threonine, which is neutral and polar, at codon 830 of the TNNI3K protein (p.Ser830Thr). This variant is present in population databases (rs368418124, gnomAD 0.003%). This variant has not been reported in the literature in individuals affected with TNNI3K-related conditions. ClinVar contains an entry for this variant (Variation ID: 1523720). An algorithm developed to predict the effect of missense changes on protein structure and function (PolyPhen-2) suggests that this variant is likely to be tolerated. In summary, the available evidence is currently insufficient to determine the role of this variant in disease. Therefore, it has been classified as a Variant of Uncertain Significance.

NM_015978.3(TNNI3K):c.2489G>C (p.Ser830Thr)

Genes: FPGT-TNNI3K (FPGT-TNNI3K readthrough; plus strand), TNNI3K (TNNI3 interacting kinase; plus strand). Cytogenetic location: 1p31.1.
Variant type: single nucleotide variant.
Coding change: c.2489G>C on transcript NM_015978.3 (MANE Select); coding-DNA position 2489, G replaced by C.
Protein change: p.Ser830Thr; replaces serine 830 with threonine.
Molecular consequence: missense variant.
Genome position (GRCh38, 1-based): chr1:74,543,963, G>C. VCF-style: chr1-74543963-G-C. GRCh37 (hg19) VCF-style: chr1-75009647-G-C.
Other names: c.2792G>C, p.Ser931Thr (NM_001112808.3); short protein forms S931T, S830T.
Identifiers: ClinVar variation 1523720 (VCV001523720.6), dbSNP rs368418124, ClinGen allele CA909924.
Genomic context (GRCh38, chr1:74,543,963, plus strand): 5'-CAGGCTATGTATCCGATCCCATGAGCTCAATGCATTTTCATTCTTGCCGAAATAGTAGCA[G>C]CTTTGAGGACAGCAGCTGACAGCATTCGGCGTATACCTAAGGAGAGTTTTTTCCCCGAAC-3'
Protein context (NP_057062.1, residues 820-835): MHFHSCRNSS[Ser830Thr]FEDSS